The following is an entry in ClinVar:

NM_001372.4(DNAH9):c.4380C>T (p.Pro1460=)

Gene: DNAH9 (dynein axonemal heavy chain 9; plus strand). Cytogenetic location: 17p12.
Variant type: single nucleotide variant.
Coding change: c.4380C>T on transcript NM_001372.4 (MANE Select); coding-DNA position 4380, C replaced by T.
Protein change: p.Pro1460=; no amino-acid change (proline 1460 retained).
Molecular consequence: synonymous variant.
Genome position (GRCh38, 1-based): chr17:11,690,202, C>T. VCF-style: chr17-11690202-C-T. GRCh37 (hg19) VCF-style: chr17-11593519-C-T.
Other names: c.4380C>T (NM_001372.3).
Identifiers: ClinVar variation 1588606 (VCV001588606.12), dbSNP rs61732566, ClinGen allele CA8395655.

ClinVar aggregate classification (germline): Benign/Likely benign. Review status: criteria provided, multiple submitters, no conflicts (2 of 4 stars). 4 submissions from 4 submitters: Benign (2); Likely benign (1). 1 of the submissions does not count toward it. Last evaluated 2026-01-24.

Conditions:
DNAH9-related disorder. Also called: DNAH9-related condition.

Allele frequency attached by ClinVar (database versions not stated): gnomAD exomes 0.00034 and 0.00096; ExAC 0.00115; 1000 Genomes Project 0.00200; 1000 Genomes Project 30x 0.00203; gnomAD 0.00338 and 0.00362; TOPMed 0.00373; ESP Exome Variant Server 0.00461.
gnomAD v4.1: 1,054 of 1,614,194 alleles (0.065%); highest among the groups gnomAD compares: African/African-American, 1.2%; 9 homozygotes.

Submissions (4):

Labcorp Genetics (formerly Invitae), Labcorp
Classification: Benign. Last evaluated: 2026-01-24. Review status: criteria provided, single submitter. Criteria: Invitae Variant Classification Sherloc (09022015). Collection method: clinical testing. Allele origin: germline.

Blueprint Genetics
Classification: Likely benign. Last evaluated: 2024-08-20. Review status: criteria provided, single submitter. Criteria: ACMG Guidelines, 2015. Collection method: clinical testing. Allele origin: germline.

Breakthrough Genomics
Classification: Benign. Review status: criteria provided, single submitter. Criteria: ACMG Guidelines, 2015. Collection method: not provided. Allele origin: germline. Inheritance: Autosomal recessive inheritance. Affected: yes.

PreventionGenetics, part of Exact Sciences
Classification: Benign for DNAH9-related condition. Last evaluated: 2019-08-21. Review status: no assertion criteria provided. Collection method: clinical testing. Allele origin: germline. Not counted in ClinVar's aggregate classification.
Comment: This variant is classified as benign based on ACMG/AMP sequence variant interpretation guidelines (Richards et al. 2015 PMID: 25741868, with internal and published modifications).